The following is an entry in ClinVar:

ClinVar aggregate classification (germline): Uncertain significance (1 of 4 stars; one submission).

Conditions:
Acrocallosal syndrome (ACLS). Also called: HALLUX DUPLICATION, POSTAXIAL POLYDACTYLY, AND ABSENCE OF CORPUS CALLOSUM; Absence of corpus callosum with unusual facial appearance, mental deficiency, duplication of the halluces and polydactyly; Schinzel syndrome 1. Identifiers: Orphanet 36, MedGen C0796147, MONDO:0008708, OMIM 200990.

gnomAD v4.1: 2 of 1,545,826 alleles (0.00013%); highest among the groups gnomAD compares: Non-Finnish European, 0.00017%; no homozygotes.

Submission:

Labcorp Genetics (formerly Invitae), Labcorp
Classification: Uncertain significance for Acrocallosal syndrome. Last evaluated: 2023-11-06. Review status: criteria provided, single submitter. Criteria: Invitae Variant Classification Sherloc (09022015). Collection method: clinical testing. Allele origin: germline.
Comment: This sequence change replaces arginine, which is basic and polar, with serine, which is neutral and polar, at codon 230 of the KIF7 protein (p.Arg230Ser). This variant is present in population databases (no rsID available, gnomAD 0.002%). This variant has not been reported in the literature in individuals affected with KIF7-related conditions. ClinVar contains an entry for this variant (Variation ID: 2122241). Advanced modeling of protein sequence and biophysical properties (such as structural, functional, and spatial information, amino acid conservation, physicochemical variation, residue mobility, and thermodynamic stability) performed at Invitae indicates that this missense variant is not expected to disrupt KIF7 protein function with a negative predictive value of 80%. In summary, the available evidence is currently insufficient to determine the role of this variant in disease. Therefore, it has been classified as a Variant of Uncertain Significance.

NM_198525.3(KIF7):c.688C>A (p.Arg230Ser)

Gene: KIF7 (kinesin family member 7; minus strand). Cytogenetic location: 15q26.1.
Variant type: single nucleotide variant.
Coding change: c.688C>A on transcript NM_198525.3 (MANE Select); coding-DNA position 688, C replaced by A.
Protein change: p.Arg230Ser; replaces arginine 230 with serine.
Molecular consequence: missense variant.
Genome position (GRCh38, 1-based): chr15:89,649,209, G>T on the plus strand (C>A on the coding strand, the complement: KIF7 is on the minus strand). VCF-style: chr15-89649209-G-T. GRCh37 (hg19) VCF-style: chr15-90192440-G-T.
Other names: short protein forms R230S.
Identifiers: ClinVar variation 2122241 (VCV002122241.4), dbSNP rs1465947060, ClinGen allele CA393775487.